The following is an entry in ClinVar:

NM_001079872.2(CUL4B):c.144_152del (p.48SSN[1])

Genes: CUL4B (cullin 4B; minus strand), LOC113845788 (Sharpr-MPRA regulatory region 11856; plus strand). Cytogenetic location: Xq24.
Variant type: Deletion.
Coding change: c.144_152del on transcript NM_001079872.2 (MANE Select); coding-DNA positions 144 to 152, 9 bases deleted (CAGTAACAG; older notation c.144_152delCAGTAACAG).
Protein change: p.48SSN[1].
Molecular consequence: inframe deletion.
Genome position (GRCh38, 1-based): chrX:120,560,487-120,560,495, CTGTTACTG deleted on the plus strand (CAGTAACAG on the coding strand, the reverse complement: CUL4B is on the minus strand); deleting any 9 consecutive bases within chrX:120,560,487-120,560,498 gives the same sequence; the c. name uses the placement nearest the transcript's 3' end. VCF-style (leftmost placement, unchanged base first): chrX-120560486-ACTGTTACTG-A. GRCh37 (hg19) VCF-style: chrX-119694341-ACTGTTACTG-A.
Other names: c.159_167del, p.53SSN[1] (NM_001330624.2); c.198_206del, p.66SSN[1] (NM_003588.4).
Identifiers: ClinVar variation 1800635 (VCV001800635.1), dbSNP rs2521200591, ClinGen allele CA2580100271.

ClinVar aggregate classification (germline): Uncertain significance (1 of 4 stars; one submission).

Submission:

GeneDx
Classification: Uncertain significance. Last evaluated: 2022-05-16. Review status: criteria provided, single submitter. Criteria: GeneDx Variant Classification Process June 2021. Collection method: clinical testing. Allele origin: germline. Affected: yes.
Comment: Not observed at significant frequency in large population cohorts (gnomAD); In-frame deletion of 3 amino acids in a non-repeat region; In silico analysis supports that this variant does not alter protein structure/function; Has not been previously published as pathogenic or benign to our knowledge